The following continues an entry in ClinVar:

NM_000059.4(BRCA2):c.3539A>G (p.Lys1180Arg)

Gene: BRCA2. ClinVar aggregate classification (germline): Conflicting classifications of pathogenicity. Uncertain significance (8); Benign (1); Likely benign (5).

Submissions 14 to 18 of 18:

Color Diagnostics, LLC DBA Color Health
Classification: Benign for Hereditary cancer-predisposing syndrome. Last evaluated: 2016-07-27. Review status: criteria provided, single submitter. Criteria: ACMG Guidelines, 2015. Collection method: clinical testing. Allele origin: germline.

BRCAlab, Lund University
Classification: Uncertain significance for Breast-ovarian cancer, familial, susceptibility to, 2. Last evaluated: 2020-03-02. Review status: no assertion criteria provided. Collection method: clinical testing. Allele origin: germline. Affected: yes. Not counted in ClinVar's aggregate classification.

Counsyl
Classification: Uncertain significance for Breast-ovarian cancer, familial, susceptibility to, 2. Last evaluated: 2016-03-10. Review status: no assertion criteria provided. Collection method: clinical testing. Allele origin: unknown. Not counted in ClinVar's aggregate classification.

Sharing Clinical Reports Project (SCRP)
Classification: Uncertain significance for Breast-ovarian cancer, familial 2. Last evaluated: 2011-08-19. Review status: no assertion criteria provided. Collection method: clinical testing. Allele origin: germline. Not counted in ClinVar's aggregate classification.

Breast Cancer Information Core (BIC) (BRCA2)
Classification: Uncertain significance for Breast-ovarian cancer, familial 2. Last evaluated: 2004-02-20. Review status: no assertion criteria provided. Collection method: clinical testing. Allele origin: germline. Affected: yes. Observed: 4 variant alleles. Not counted in ClinVar's aggregate classification.

Literature cited by the submitters: PubMed 10882858 (cited by 3 submitters); PubMed 30883245 (cited by 3 submitters); PubMed 33471991 (cited by 3 submitters); PubMed 34749799 (cited by Women's Health and Genetics/Laboratory Corporation of America, LabCorp); PubMed 37922907 (cited by Women's Health and Genetics/Laboratory Corporation of America, LabCorp and Labcorp Genetics (formerly Invitae), Labcorp); PubMed 39733403 (cited by Women's Health and Genetics/Laboratory Corporation of America, LabCorp); PubMed 27633797 (cited by Quest Diagnostics Nichols Institute San Juan Capistrano).